The following is an entry in ClinVar:

NM_031407.7(HUWE1):c.12650G>C (p.Gly4217Ala)

Gene: HUWE1 (HECT, UBA and WWE domain containing E3 ubiquitin protein ligase 1; minus strand). Cytogenetic location: Xp11.22.
Variant type: single nucleotide variant.
Coding change: c.12650G>C on transcript NM_031407.7 (MANE Select); coding-DNA position 12650, G replaced by C.
Protein change: p.Gly4217Ala; replaces glycine 4217 with alanine.
Molecular consequence: missense variant.
Genome position (GRCh38, 1-based): chrX:53,534,697, C>G on the plus strand (G>C on the coding strand, the complement: HUWE1 is on the minus strand). VCF-style: chrX-53534697-C-G. GRCh37 (hg19) VCF-style: chrX-53561658-C-G.
Other names: c.12650G>C (NM_031407.6); short protein forms G4217A.
Identifiers: ClinVar variation 432068 (VCV000432068.4), dbSNP rs1556910261, ClinGen allele CA413147184.

ClinVar aggregate classification (germline): Likely pathogenic. Review status: criteria provided, multiple submitters, no conflicts (2 of 4 stars). 2 submissions from 2 submitters: Likely pathogenic (2). Last evaluated 2024-09-20.

Conditions:
Intellectual developmental disorder, X-linked, syndromic, Turner type. Also called: X-linked intellectual disability, Turner type; Intellectual disability, X-linked syndromic, Turner type. Identifiers: Orphanet 3056, Orphanet 85328, MedGen C2678046, MONDO:0010407, OMIM 309590.

Submissions (2):

Victorian Clinical Genetics Services, Murdoch Childrens Research Institute
Classification: Likely pathogenic for Intellectual developmental disorder, X-linked, syndromic, Turner type. Last evaluated: 2024-09-20. Review status: criteria provided, single submitter. Criteria: ACMG Guidelines, 2015. Collection method: clinical testing. Allele origin: germline. Inheritance: X-linked recessive inheritance. Affected: yes.
Comment: Based on the classification scheme VCGS_Germline_v1.3.4, this variant is classified as Likely Pathogenic. Following criteria are met: 0103 - Loss of function and gain of function are known mechanisms of disease in this gene and are associated with intellectual developmental disorder, X-linked syndromic, Turner type (MIM#309590, PMID:29180823). (I) 0110 - This gene is associated with X-linked dominant disease. (I) 0200 - Variant is predicted to result in a missense amino acid change from glycine to alanine. However, this variant is located close to the intron-exon junction and may have a splice effect. (I) 0251 - This variant is heterozygous. (I) 0301 - Variant is absent from gnomAD (both v2 and v3). (SP) 0502 - Missense variant with conflicting in silico predictions and uninformative conservation. Additionally, splice in silico predictors support an effect on splicing. (I) 0603 - Missense variant in a region that is highly intolerant to missense variation (high constraint region in DECIPHER). (SP) 0705 - No comparable missense variants have previous evidence for pathogenicity. (I) 0802 - This variant has moderate previous evidence of pathogenicity in unrelated individuals. There is one likely pathogenic report in ClinVar by GeneDx, where the variant was found to be de novo in an individual with intellectual disability, short stature, relative macrocephaly and dysmorphic features (ClinVar). (SP) 0905 - No published segregation evidence has been identified for this variant. (I) 1007 - No published functional evidence has been identified for this variant. (I) 1208 - Inheritance information for this variant is not currently available in this individual. (I) Legend: (SP) - Supporting pathogenic, (I) - Information, (SB) - Supporting benign

GeneDx
Classification: Likely pathogenic. Last evaluated: 2016-02-29. Review status: criteria provided, single submitter. Criteria: GeneDx Variant Classification (06012015). Collection method: clinical testing. Allele origin: germline. Affected: yes.
Comment: The G4217A variant in the HUWE1 gene has not been reported previously as a pathogenic variant, nor as a benign variant, to our knowledge. The G4217A variant was not observed in approximately 6500 individuals of European and African American ancestry in the NHLBI Exome Sequencing Project, indicating it is not a common benign variant in these populations. The G4217A variant is a conservative amino acid substitution, which is not likely to impact secondary protein structure as these residues share similar properties. This substitution occurs at a position that is conserved across species. In silico analysis is inconsistent in its predictions as to whether or not the variant is damaging to the protein structure/function. The G4217A variant is a strong candidate for a pathogenic variant

Literature cited by the submitters: PubMed 29180823 (cited by Victorian Clinical Genetics Services, Murdoch Childrens Research Institute).